The following is an entry in ClinVar:

ClinVar aggregate classification (germline): Uncertain significance (1 of 4 stars; one submission).

Conditions:
Congenital myasthenic syndrome 8. Also called: MYASTHENIC SYNDROME, CONGENITAL, DUE TO AGRIN DEFICIENCY; Myasthenic syndrome, congenital, 8, with pre- and postsynaptic defects. Identifiers: Orphanet 590, MedGen C3808739, MONDO:0014052, OMIM 615120.

Allele frequency attached by ClinVar (database versions not stated): ExAC 0.00001.

Submission:

Labcorp Genetics (formerly Invitae), Labcorp
Classification: Uncertain significance for Congenital myasthenic syndrome 8. Last evaluated: 2022-02-14. Review status: criteria provided, single submitter. Criteria: Invitae Variant Classification Sherloc (09022015). Collection method: clinical testing. Allele origin: germline.
Comment: This sequence change replaces arginine, which is basic and polar, with cysteine, which is neutral and slightly polar, at codon 541 of the AGRN protein (p.Arg541Cys). In summary, the available evidence is currently insufficient to determine the role of this variant in disease. Therefore, it has been classified as a Variant of Uncertain Significance. Algorithms developed to predict the effect of missense changes on protein structure and function are either unavailable or do not agree on the potential impact of this missense change (SIFT: "Deleterious"; PolyPhen-2: "Possibly Damaging"; Align-GVGD: "Class C0"). This variant has not been reported in the literature in individuals affected with AGRN-related conditions. This variant is present in population databases (rs773980667, gnomAD 0.003%).

NM_198576.4(AGRN):c.1621C>T (p.Arg541Cys)

Gene: AGRN (agrin; plus strand). Cytogenetic location: 1p36.33.
Variant type: single nucleotide variant.
Coding change: c.1621C>T on transcript NM_198576.4 (MANE Select); coding-DNA position 1621, C replaced by T.
Protein change: p.Arg541Cys; replaces arginine 541 with cysteine.
Molecular consequence: missense variant.
Genome position (GRCh38, 1-based): chr1:1,043,555, C>T. VCF-style: chr1-1043555-C-T. GRCh37 (hg19) VCF-style: chr1-978935-C-T.
Other names: c.1621C>T, p.Arg541Cys (NM_001305275.2); c.1306C>T, p.Arg436Cys (NM_001364727.2); short protein forms R541C, R436C.
Identifiers: ClinVar variation 2062488 (VCV002062488.4), dbSNP rs773980667, ClinGen allele CA508274.